The following is an entry in ClinVar:

ClinVar aggregate classification (germline): Pathogenic (1 of 4 stars; one submission).

Conditions:
Neurodevelopmental disorder with absent language and variable seizures. Also called: ITO-RAYMOND SYNDROME. Identifiers: MedGen C5231469, MONDO:0032876, OMIM 618707.

Submission:

Women's Health and Genetics/Laboratory Corporation of America, LabCorp
Classification: Pathogenic for Neurodevelopmental disorder with absent language and variable seizures. Last evaluated: 2023-05-19. Review status: criteria provided, single submitter. Criteria: LabCorp Variant Classification Summary - May 2015. Collection method: clinical testing. Allele origin: germline.
Comment: Variant summary: WASF1 c.493dupA (p.Met165AsnfsX8) results in a premature termination codon, predicted to cause a truncation of the encoded protein or absence of the protein due to nonsense mediated decay, which are commonly known mechanisms for disease. Variants downstream of this position have been classified as pathogenic by our laboratory. The variant was absent in 245616 control chromosomes. To our knowledge, no occurrence of c.493dupA in individuals affected with Neurodevelopmental Disorder With Absent Language And Variable Seizures and no experimental evidence demonstrating its impact on protein function have been reported. No clinical diagnostic laboratories have submitted clinical-significance assessments for this variant to ClinVar after 2014. Based on the evidence outlined above, the variant was classified as pathogenic.

NM_003931.3(WASF1):c.493dup (p.Met165fs)

Gene: WASF1 (WASP family member 1; minus strand). Cytogenetic location: 6q21.
Variant type: Duplication.
Coding change: c.493dup on transcript NM_003931.3 (MANE Select); coding-DNA position 493, one base duplicated (A; older notation c.493dupA).
Protein change: p.Met165fs; shifts the reading frame from methionine 165.
Molecular consequence: frameshift variant.
Genome position (GRCh38, 1-based): chr6:110,107,124, T duplicated on the plus strand (A on the coding strand, the reverse complement: WASF1 is on the minus strand); the first of 6 consecutive T bases (chr6:110,107,124-110,107,129); duplicating any one gives the same sequence. VCF-style (leftmost placement, unchanged base first): chr6-110107123-A-AT. GRCh37 (hg19) VCF-style: chr6-110428326-A-AT.
Other names: c.493dup, p.Met165fs (NM_001024934.2, NM_001024935.2, NM_001024936.2); short protein forms M165fs.
Identifiers: ClinVar variation 2506296 (VCV002506296.1), dbSNP rs2534225978, ClinGen allele CA2580617323.